The following is an entry in ClinVar:

NM_015158.5(KANK1):c.157C>A (p.Gln53Lys)

Gene: KANK1 (KN motif and ankyrin repeat domains 1; plus strand). Cytogenetic location: 9p24.3.
Variant type: single nucleotide variant.
Coding change: c.157C>A on transcript NM_015158.5 (MANE Select); coding-DNA position 157, C replaced by A.
Protein change: p.Gln53Lys; replaces glutamine 53 with lysine.
Molecular consequence: missense variant. On other transcripts: 5 prime UTR variant (12), non-coding transcript variant (1).
Genome position (GRCh38, 1-based): chr9:710,923, C>A. VCF-style: chr9-710923-C-A. GRCh37 (hg19) VCF-style: chr9-710923-C-A.
Other names: c.157C>A, p.Gln53Lys (NM_001256876.3, NM_001256877.3, NM_001354331.2 and 2 more transcripts); c.-318C>A (NM_001354333.2, NM_001354335.2, NM_001354336.2 and 9 more transcripts); short protein forms Q53K.
Identifiers: ClinVar variation 1917685 (VCV001917685.6), dbSNP rs761003234, ClinGen allele CA4959863.

ClinVar aggregate classification (germline): Uncertain significance. Review status: criteria provided, multiple submitters, no conflicts (2 of 4 stars). 2 submissions from 2 submitters: Uncertain significance (2). Last evaluated 2025-10-23.

Allele frequency attached by ClinVar (database versions not stated): ExAC 0.00001; gnomAD 0.00001; TOPMed 0.00002.
gnomAD v4.1: 33 of 1,614,020 alleles (0.002%); highest among the groups gnomAD compares: Non-Finnish European, 0.0026%; no homozygotes.

Submissions (2):

Labcorp Genetics (formerly Invitae), Labcorp
Classification: Uncertain significance. Last evaluated: 2025-10-23. Review status: criteria provided, single submitter. Criteria: Invitae Variant Classification Sherloc (09022015). Collection method: clinical testing. Allele origin: germline.
Comment: This sequence change replaces glutamine, which is neutral and polar, with lysine, which is basic and polar, at codon 53 of the KANK1 protein (p.Gln53Lys). This variant is present in population databases (rs761003234, gnomAD 0.007%). This variant has not been reported in the literature in individuals affected with KANK1-related conditions. ClinVar contains an entry for this variant (Variation ID: 1917685). An algorithm developed to predict the effect of missense changes on protein structure and function (PolyPhen-2) suggests that this variant is likely to be disruptive. In summary, the available evidence is currently insufficient to determine the role of this variant in disease. Therefore, it has been classified as a Variant of Uncertain Significance.

Ambry Genetics
Classification: Uncertain significance. Last evaluated: 2022-10-26. Review status: criteria provided, single submitter. Criteria: Ambry Variant Classification Scheme 2023. Collection method: clinical testing. Allele origin: germline.